The following is an entry in ClinVar:

NM_005188.4(CBL):c.572G>C (p.Arg191Thr)

Gene: CBL (Cbl proto-oncogene; plus strand). Cytogenetic location: 11q23.3.
Variant type: single nucleotide variant.
Coding change: c.572G>C on transcript NM_005188.4 (MANE Select); coding-DNA position 572, G replaced by C.
Protein change: p.Arg191Thr; replaces arginine 191 with threonine.
Molecular consequence: missense variant.
Genome position (GRCh38, 1-based): chr11:119,271,863, G>C. VCF-style: chr11-119271863-G-C. GRCh37 (hg19) VCF-style: chr11-119142573-G-C.
Other names: short protein forms R191T.
Identifiers: ClinVar variation 1427831 (VCV001427831.7), dbSNP rs756736832, ClinGen allele CA6318288.

ClinVar aggregate classification (germline): Uncertain significance. Review status: criteria provided, multiple submitters, no conflicts (2 of 4 stars). 2 submissions from 2 submitters: Uncertain significance (2). Last evaluated 2026-01-10.

Conditions:
Juvenile myelomonocytic leukemia (JMML). Also called: LEUKEMIA, JUVENILE MYELOMONOCYTIC, SOMATIC. Identifiers: Orphanet 86834, MedGen C0349639, MONDO:0011908, OMIM 607785, HP:0012209.
CBL-related disorder. Also called: CBL MUTATION-ASSOCIATED SYNDROME; CBL SYNDROME; NOONAN SYNDROME-LIKE DISORDER WITHOUT JUVENILE MYELOMONOCYTIC LEUKEMIA. Identifiers: Orphanet 363972, MedGen C3150803, MONDO:0013308, OMIM 613563.
RASopathy. Also called: rasopathies; Noonan spectrum disorder. Identifiers: Orphanet 536391, MedGen C5555857, MONDO:0021060.

Allele frequency attached by ClinVar (database versions not stated): TOPMed below 0.00001; gnomAD exomes 0.00001; ExAC 0.00002.
gnomAD v4.1: 8 of 1,613,996 alleles (0.0005%); highest among the groups gnomAD compares: Non-Finnish European, 0.00068%; no homozygotes.

Submissions (2):

Labcorp Genetics (formerly Invitae), Labcorp
Classification: Uncertain significance for RASopathy. Last evaluated: 2026-01-10. Review status: criteria provided, single submitter. Criteria: Invitae Variant Classification Sherloc (09022015). Collection method: clinical testing. Allele origin: germline.
Comment: This sequence change replaces arginine, which is basic and polar, with threonine, which is neutral and polar, at codon 191 of the CBL protein (p.Arg191Thr). This variant is present in population databases (rs756736832, gnomAD 0.002%). This variant has not been reported in the literature in individuals affected with CBL-related conditions. ClinVar contains an entry for this variant (Variation ID: 1427831). Invitae Evidence Modeling of protein sequence and biophysical properties (such as structural, functional, and spatial information, amino acid conservation, physicochemical variation, residue mobility, and thermodynamic stability) indicates that this missense variant is not expected to disrupt CBL protein function with a negative predictive value of 95%. In summary, the available evidence is currently insufficient to determine the role of this variant in disease. Therefore, it has been classified as a Variant of Uncertain Significance.

Fulgent Genetics
Classification: Uncertain significance for Juvenile myelomonocytic leukemia; CBL-related disorder. Last evaluated: 2021-07-26. Review status: criteria provided, single submitter. Criteria: ACMG Guidelines, 2015. Collection method: clinical testing. Allele origin: unknown.